The following is an entry in ClinVar:

ClinVar aggregate classification (germline): Likely benign (1 of 4 stars; one submission).

Allele frequency attached by ClinVar (database versions not stated): ExAC below 0.00001.

Submission:

GeneDx
Classification: Likely benign. Last evaluated: 2016-02-29. Review status: criteria provided, single submitter. Criteria: GeneDx Variant Classification (06012015). Collection method: clinical testing. Allele origin: germline. Affected: yes.
Comment: This variant is considered likely benign or benign based on one or more of the following criteria: it is a conservative change, it occurs at a poorly conserved position in the protein, it is predicted to be benign by multiple in silico algorithms, and/or has population frequency not consistent with disease.

NM_004006.3(DMD):c.10394+11C>T

Gene: DMD (dystrophin; minus strand). Cytogenetic location: Xp21.2.
Variant type: single nucleotide variant.
Coding change: c.10394+11C>T on transcript NM_004006.3 (MANE Select); 11 bases into the intron after coding-DNA position 10394, C replaced by T.
Molecular consequence: intron variant.
Genome position (GRCh38, 1-based): chrX:31,172,337, G>A on the plus strand (C>T on the coding strand, the complement: DMD is on the minus strand). VCF-style: chrX-31172337-G-A. GRCh37 (hg19) VCF-style: chrX-31190454-G-A.
Other names: c.10370+11C>T (NM_000109.4); c.6371+11C>T (NM_004011.4); c.6362+11C>T (NM_004012.4); c.2843+6332C>T (NM_004023.3, NM_004020.4); c.2975+11C>T (NM_004022.3); c.3014+11C>T (NM_004021.3, NM_004013.3); c.2207+11C>T (NM_004014.3); c.1151+11C>T (NM_004018.3, NM_004017.3); and 3 more.
Identifiers: ClinVar variation 384423 (VCV000384423.1), dbSNP rs746273336, ClinGen allele CA10377611.
Genomic context (GRCh38, chrX:31,172,337, plus strand): 5'-ATCCTACCTCTAAATCCCTCAAAGCAATTTCATTGTCAGGAACATTTTGTAAAAAGAGAT[G>A]GGATACTTACATGCTCTCATTAGGAGAGATGCTATCATTTAGATAAGATCCATTGCTGTT-3'